The following is an entry in ClinVar:

NM_002834.5(PTPN11):c.1697C>T (p.Thr566Met)

Gene: PTPN11 (protein tyrosine phosphatase non-receptor type 11; plus strand). Cytogenetic location: 12q24.13.
Variant type: single nucleotide variant.
Coding change: c.1697C>T on transcript NM_002834.5 (MANE Select); coding-DNA position 1697, C replaced by T.
Protein change: p.Thr566Met; replaces threonine 566 with methionine.
Molecular consequence: missense variant.
Genome position (GRCh38, 1-based): chr12:112,502,241, C>T. VCF-style: chr12-112502241-C-T. GRCh37 (hg19) VCF-style: chr12-112940045-C-T.
Other names: p.T566M:ACG>ATG; c.1709C>T, p.Thr570Met (NM_001330437.2); c.1694C>T, p.Thr565Met (NM_001374625.1); short protein forms T566M, T570M, T565M.
Identifiers: ClinVar variation 40571 (VCV000040571.15), dbSNP rs150730493, ClinGen allele CA282141.
Genomic context (GRCh38, chr12:112,502,241, plus strand): 5'-AGTATTCTCTAGCGGACCAGACGAGTGGAGATCAGAGCCCTCTCCCGCCTTGTACTCCAA[C>T]GCCACCCTGTGCAGAGTAAGTAGTGCTGAAGGAAATTCTTTTTACCTGGTCATGGTGGTT-3'
Protein context (NP_002825.3, residues 556-576): DQSPLPPCTP[Thr566Met]PPCAEMREDS

ClinVar aggregate classification (germline): Conflicting classifications of pathogenicity. Review status: criteria provided, conflicting classifications (1 of 4 stars). 5 submissions from 5 submitters: Uncertain significance (4); Likely benign (1). Last evaluated 2025-06-10.

Conditions:
RASopathy. Also called: rasopathies; Noonan spectrum disorder. Identifiers: Orphanet 536391, MedGen C5555857, MONDO:0021060.
Noonan syndrome 1 (NS1). Also called: TURNER PHENOTYPE WITH NORMAL KARYOTYPE; PTPN11-Related Noonan Syndrome; FEMALE PSEUDO-TURNER SYNDROME. Identifiers: Orphanet 648, MedGen C4551602, MONDO:0008104, OMIM 163950. Disease mechanism: gain of function.

Allele frequency attached by ClinVar (database versions not stated): ExAC 0.00003; TOPMed 0.00002; gnomAD exomes 0.00001 and 0.00003; gnomAD 0.00001; ESP Exome Variant Server 0.00008.
gnomAD v4.1: 17 of 1,612,536 alleles (0.0011%); highest among the groups gnomAD compares: East Asian, 0.0067%; no homozygotes.

Submissions (5):

Labcorp Genetics (formerly Invitae), Labcorp
Classification: Uncertain significance for RASopathy. Last evaluated: 2025-06-10. Review status: criteria provided, single submitter. Criteria: Invitae Variant Classification Sherloc (09022015). Collection method: clinical testing. Allele origin: germline.
Comment: This sequence change replaces threonine, which is neutral and polar, with methionine, which is neutral and non-polar, at codon 566 of the PTPN11 protein (p.Thr566Met). This variant is present in population databases (rs150730493, gnomAD 0.02%). This variant has not been reported in the literature in individuals affected with PTPN11-related conditions. ClinVar contains an entry for this variant (Variation ID: 40571). Invitae Evidence Modeling of protein sequence and biophysical properties (such as structural, functional, and spatial information, amino acid conservation, physicochemical variation, residue mobility, and thermodynamic stability) indicates that this missense variant is not expected to disrupt PTPN11 protein function with a negative predictive value of 80%. In summary, the available evidence is currently insufficient to determine the role of this variant in disease. Therefore, it has been classified as a Variant of Uncertain Significance.

Women's Health and Genetics/Laboratory Corporation of America, LabCorp
Classification: Uncertain significance. Last evaluated: 2024-04-01. Review status: criteria provided, single submitter. Criteria: LabCorp Variant Classification Summary - May 2015. Collection method: clinical testing. Allele origin: germline.
Comment: Variant summary: PTPN11 c.1697C>T (p.Thr566Met) results in a non-conservative amino acid change in the encoded protein sequence. Three of five in-silico tools predict a damaging effect of the variant on protein function. The variant allele was found at a frequency of 2.8e-05 in 251112 control chromosomes. The available data on variant occurrences in the general population are insufficient to allow any conclusion about variant significance. To our knowledge, no occurrence of c.1697C>T in individuals affected with Noonan Syndrome and no experimental evidence demonstrating its impact on protein function have been reported. ClinVar contains an entry for this variant (Variation ID: 40571). Based on the evidence outlined above, the variant was classified as uncertain significance.

Blueprint Genetics
Classification: Likely benign. Last evaluated: 2023-08-23. Review status: criteria provided, single submitter. Criteria: ACMG Guidelines, 2015. Collection method: clinical testing. Allele origin: germline.

Victorian Clinical Genetics Services, Murdoch Childrens Research Institute
Classification: Uncertain significance for Noonan syndrome 1. Last evaluated: 2022-02-02. Review status: criteria provided, single submitter. Criteria: ACMG Guidelines, 2015. Collection method: clinical testing. Allele origin: germline. Inheritance: Autosomal dominant inheritance. Affected: yes.
Comment: Based on the classification scheme VCGS_Germline_v1.3.4, this variant is classified as VUS-3B. Following criteria are met: 0103 - Both loss- and gain-of-function are known mechanisms of disease for this gene. Metachondromatosis (MIM#156250) and Noonan syndrome with multiple lentigines have been associated with loss of function variants, whereas Noonan syndrome 1 (MIM#163950) is caused by gain of function variants (PMIDs: 11992261, 24935154, 21533187). (I) 0107 - This gene is associated with autosomal dominant disease. (I) 0115 - Variants in this gene associated with Noonan syndrome are known to have variable expressivity (GeneReviews). (I) 0200 - Variant is predicted to result in a missense amino acid change from threonine to methionine. (I) 0251 - This variant is heterozygous. (I) 0302 - Variant is present in gnomAD (v2) <0.001 for a dominant condition (7 heterozygotes, 0 homozygotes). (SP) 0309 - Multiple alternative amino acid changes at the same position have been observed in gnomAD (v2) (highest allele count: 2 heterozygotes, 0 homozygotes). (I) 0502 - Missense variant with conflicting in silico predictions and uninformative conservation. (I) 0604 - Variant is not located in an established domain, motif, hotspot or informative constraint region. (I) 0710 - Other missense variants comparable to the one identified in this case have inconclusive previous evidence for pathogenicity. Alternative changes to alanine and serine have VUS entries in ClinVar. (I) 0809 - Previous evidence of pathogenicity for this variant is inconclusive. This variant has two VUS entries in ClinVar. (I) 0905 - No published segregation evidence has been identified for this variant. (I) 1007 - No published functional evidence has been identified for this variant. (I) 1208 - Inheritance information for this variant is not currently available in this individual. (I) Legend: (SP) - Supporting pathogenic, (I) - Information, (SB) - Supporting benign

GeneDx
Classification: Uncertain significance. Last evaluated: 2013-01-02. Review status: criteria provided, single submitter. Criteria: GeneDx Variant Classification (06012015). Collection method: clinical testing. Allele origin: germline. Affected: yes.
Comment: The T566M missense substitution has not been published as a mutation, nor has it been reported as a benign polymorphism to our knowledge. T566M is considered a semi-conservative amino acid substitution and occurs at a position that is highly conserved. A missense change in a nearby codon (L560F) has been reported in association with Noonan syndrome (Sarkozy, 2003); however, mutations beyond codon 560 have not been reported. Therefore, based on the currently available information, it is unclear whether T566M is a disease-associated mutation or a rare benign variant. The variant is found in NOONAN panel(s).

Literature cited by the submitters: PubMed 11992261 (cited by Victorian Clinical Genetics Services, Murdoch Childrens Research Institute); PubMed 21533187 (cited by Victorian Clinical Genetics Services, Murdoch Childrens Research Institute); PubMed 24935154 (cited by Victorian Clinical Genetics Services, Murdoch Childrens Research Institute).